The following is an entry in ClinVar:

NM_000051.4(ATM):c.565A>G (p.Arg189Gly)

Gene: ATM (ATM serine/threonine kinase; plus strand). Cytogenetic location: 11q22.3.
Variant type: single nucleotide variant.
Coding change: c.565A>G on transcript NM_000051.4 (MANE Select); coding-DNA position 565, A replaced by G.
Protein change: p.Arg189Gly; replaces arginine 189 with glycine.
Molecular consequence: missense variant.
Genome position (GRCh38, 1-based): chr11:108,244,021, A>G. VCF-style: chr11-108244021-A-G. GRCh37 (hg19) VCF-style: chr11-108114748-A-G.
Other names: c.565A>G, p.Arg189Gly (NM_001351834.2); c.565A>G (NM_000051.3); short protein forms R189G.
Identifiers: ClinVar variation 1006533 (VCV001006533.13), dbSNP rs2079701086, ClinGen allele CA382527793.

ClinVar aggregate classification (germline): Uncertain significance. Review status: criteria provided, multiple submitters, no conflicts (2 of 4 stars). 3 submissions from 3 submitters: Uncertain significance (3). Last evaluated 2024-10-15.

Conditions:
Hereditary cancer-predisposing syndrome. Also called: Hereditary neoplastic syndrome; Neoplastic Syndromes, Hereditary; Tumor predisposition; Hereditary Cancer Syndrome. Identifiers: Orphanet 140162, MedGen C0027672, MeSH D009386, MONDO:0015356.
Ataxia-telangiectasia syndrome (AT). Also called: Ataxia-telangiectasia, complementation group D; AT, COMPLEMENTATION GROUP C; ATAXIA-TELANGIECTASIA, COMPLEMENTATION GROUP A; ATAXIA-TELANGIECTASIA, FRESNO VARIANT; Ataxia-telangiectasia; Cerebello-oculocutaneous telangiectasia. Identifiers: Orphanet 100, MedGen C0004135, MONDO:0008840, OMIM 208900.
Familial cancer of breast. Also called: hereditary breast carcinoma; BREAST CANCER, FAMILIAL; Hereditary breast cancer. Identifiers: Orphanet 227535, MedGen C0346153, MONDO:0016419, OMIM 114480. Disease mechanism: loss of function.

Allele frequency attached by ClinVar (database versions not stated): gnomAD exomes below 0.00001.
gnomAD v4.1: 1 of 1,612,800 alleles (0.000062%); highest among the groups gnomAD compares: Non-Finnish European, 0.000085%; no homozygotes.

Submissions (3):

Labcorp Genetics (formerly Invitae), Labcorp
Classification: Uncertain significance for Ataxia-telangiectasia syndrome. Last evaluated: 2024-10-15. Review status: criteria provided, single submitter. Criteria: Invitae Variant Classification Sherloc (09022015). Collection method: clinical testing. Allele origin: germline.
Comment: This sequence change replaces arginine, which is basic and polar, with glycine, which is neutral and non-polar, at codon 189 of the ATM protein (p.Arg189Gly). This variant is not present in population databases (gnomAD no frequency). This variant has not been reported in the literature in individuals affected with ATM-related conditions. ClinVar contains an entry for this variant (Variation ID: 1006533). Invitae Evidence Modeling of protein sequence and biophysical properties (such as structural, functional, and spatial information, amino acid conservation, physicochemical variation, residue mobility, and thermodynamic stability) indicates that this missense variant is not expected to disrupt ATM protein function with a negative predictive value of 95%. In summary, the available evidence is currently insufficient to determine the role of this variant in disease. Therefore, it has been classified as a Variant of Uncertain Significance.

Baylor Genetics
Classification: Uncertain significance for Familial cancer of breast. Last evaluated: 2023-07-07. Review status: criteria provided, single submitter. Criteria: ACMG Guidelines, 2015. Collection method: clinical testing. Allele origin: unknown.

Ambry Genetics
Classification: Uncertain significance for Hereditary cancer-predisposing syndrome. Last evaluated: 2023-01-18. Review status: criteria provided, single submitter. Criteria: Ambry Variant Classification Scheme 2023. Collection method: clinical testing. Allele origin: germline.
Comment: The p.R189G variant (also known as c.565A>G), located in coding exon 5 of the ATM gene, results from an A to G substitution at nucleotide position 565. The arginine at codon 189 is replaced by glycine, an amino acid with dissimilar properties. This amino acid position is conserved. In addition, the in silico prediction for this alteration is inconclusive. Since supporting evidence is limited at this time, the clinical significance of this alteration remains unclear.